The following is an entry in ClinVar:

NM_004482.4(GALNT3):c.1675G>T (p.Glu559Ter)

Gene: GALNT3 (polypeptide N-acetylgalactosaminyltransferase 3; minus strand). Cytogenetic location: 2q24.3.
Variant type: single nucleotide variant.
Coding change: c.1675G>T on transcript NM_004482.4 (MANE Select); coding-DNA position 1675, G replaced by T.
Protein change: p.Glu559Ter; replaces glutamic acid 559 with a stop codon.
Molecular consequence: nonsense.
Genome position (GRCh38, 1-based): chr2:165,749,846, C>A on the plus strand (G>T on the coding strand, the complement: GALNT3 is on the minus strand). VCF-style: chr2-165749846-C-A. GRCh37 (hg19) VCF-style: chr2-166606356-C-A.
Other names: short protein forms E559*.
Identifiers: ClinVar variation 2012872 (VCV002012872.5), dbSNP rs2105398736, ClinGen allele CA349028710.

ClinVar aggregate classification (germline): Pathogenic (1 of 4 stars; one submission).

Submissions (2):

Labcorp Genetics (formerly Invitae), Labcorp
Classification: Pathogenic. Last evaluated: 2022-07-01. Review status: criteria provided, single submitter. Criteria: Invitae Variant Classification Sherloc (09022015). Collection method: clinical testing. Allele origin: germline.
Comment: For these reasons, this variant has been classified as Pathogenic. This variant has not been reported in the literature in individuals affected with GALNT3-related conditions. This variant is not present in population databases (gnomAD no frequency). This sequence change creates a premature translational stop signal (p.Glu559*) in the GALNT3 gene. It is expected to result in an absent or disrupted protein product. Loss-of-function variants in GALNT3 are known to be pathogenic (PMID: 15133511, 20358599).

Dr. Peter K. Rogan Lab, Western University
No classification provided (evidence only). Condition: Familial cancer of breast. Review status: no classification provided. Collection method: in vitro. Allele origin: not applicable. Functional consequence: retained intron. Not counted in ClinVar's aggregate classification.

Literature cited by the submitters: PubMed 15133511 (cited by Labcorp Genetics (formerly Invitae), Labcorp); PubMed 20358599 (cited by Labcorp Genetics (formerly Invitae), Labcorp).